The following is an entry in ClinVar:

ClinVar aggregate classification (germline): Uncertain significance (1 of 4 stars; one submission).

Conditions:
Hereditary cancer-predisposing syndrome. Also called: Hereditary neoplastic syndrome; Tumor predisposition; Hereditary Cancer Syndrome; Neoplastic Syndromes, Hereditary. Identifiers: Orphanet 140162, MedGen C0027672, MeSH D009386, MONDO:0015356.

Submission:

Ambry Genetics
Classification: Uncertain significance for Hereditary cancer-predisposing syndrome. Last evaluated: 2023-06-23. Review status: criteria provided, single submitter. Criteria: Ambry Variant Classification Scheme 2023. Collection method: clinical testing. Allele origin: germline.
Comment: The p.K1909M variant (also known as c.5726A>T), located in coding exon 15 of the APC gene, results from an A to T substitution at nucleotide position 5726. The lysine at codon 1909 is replaced by methionine, an amino acid with similar properties. This amino acid position is conserved. In addition, in silico predictors for this gene do not accurately predict pathogenicity. Since supporting evidence is limited at this time, the clinical significance of this alteration remains unclear.

NM_000038.6(APC):c.5726A>T (p.Lys1909Met)

Gene: APC (APC regulator of Wnt signaling pathway; plus strand). Cytogenetic location: 5q22.2.
Variant type: single nucleotide variant.
Coding change: c.5726A>T on transcript NM_000038.6 (MANE Select); coding-DNA position 5726, A replaced by T.
Protein change: p.Lys1909Met; replaces lysine 1909 with methionine.
Molecular consequence: missense variant. On other transcripts: non-coding transcript variant (2).
Genome position (GRCh38, 1-based): chr5:112,841,320, A>T. VCF-style: chr5-112841320-A-T. GRCh37 (hg19) VCF-style: chr5-112177017-A-T.
Other names: c.5726A>T, p.Lys1909Met (NM_001127510.3, NM_001354895.2, NM_001407450.1); c.5672A>T, p.Lys1891Met (NM_001127511.3); c.5780A>T, p.Lys1927Met (NM_001354896.2, NM_001407447.1, NM_001407448.1 and 1 more transcripts); c.5756A>T, p.Lys1919Met (NM_001354897.2); c.5651A>T, p.Lys1884Met (NM_001354898.2); c.5642A>T, p.Lys1881Met (NM_001354899.2); c.5603A>T, p.Lys1868Met (NM_001354900.2); c.5549A>T, p.Lys1850Met (NM_001354901.2, NM_001407453.1); and 11 more; short protein forms K1749M, K1868M, K1891M, K1909M, K1927M, K1525M, K1780M, K1808M.
Identifiers: ClinVar variation 2586983 (VCV002586983.2), dbSNP rs2149947566, ClinGen allele CA16033868.